The following is an entry in ClinVar:

NM_003394.4(WNT10B):c.711+7G>A

Gene: WNT10B (Wnt family member 10B; minus strand). Cytogenetic location: 12q13.12.
Variant type: single nucleotide variant.
Coding change: c.711+7G>A on transcript NM_003394.4 (MANE Select); 7 bases into the intron after coding-DNA position 711, G replaced by A.
Molecular consequence: intron variant.
Genome position (GRCh38, 1-based): chr12:48,967,939, C>T on the plus strand (G>A on the coding strand, the complement: WNT10B is on the minus strand). VCF-style: chr12-48967939-C-T. GRCh37 (hg19) VCF-style: chr12-49361722-C-T.
Identifiers: ClinVar variation 4981810 (VCV004981810.1).

ClinVar aggregate classification (germline): Likely benign (1 of 4 stars; one submission).

Conditions:
WNT10B-related disorder. Also called: WNT10B-related condition.

gnomAD v4.1: 23 of 1,614,094 alleles (0.0014%); highest among the groups gnomAD compares: Middle Eastern, 0.016%; no homozygotes.

Submission:

PreventionGenetics, part of Exact Sciences
Classification: Likely benign for WNT10B-related condition. Last evaluated: 2024-10-08. Review status: criteria provided, single submitter. Criteria: ACMG Guidelines, 2015. Collection method: clinical testing. Allele origin: germline.
Comment: This variant is classified as likely benign based on ACMG/AMP sequence variant interpretation guidelines (Richards et al. 2015 PMID: 25741868, with internal and published modifications).